The following is an entry in ClinVar:

NM_001999.4(FBN2):c.1328C>T (p.Ala443Val)

Gene: FBN2 (fibrillin 2; minus strand). Cytogenetic location: 5q23.3.
Variant type: single nucleotide variant.
Coding change: c.1328C>T on transcript NM_001999.4 (MANE Select); coding-DNA position 1328, C replaced by T.
Protein change: p.Ala443Val; replaces alanine 443 with valine.
Molecular consequence: missense variant.
Genome position (GRCh38, 1-based): chr5:128,393,272, G>A on the plus strand (C>T on the coding strand, the complement: FBN2 is on the minus strand). VCF-style: chr5-128393272-G-A. GRCh37 (hg19) VCF-style: chr5-127728965-G-A.
Other names: short protein forms A443V.
Identifiers: ClinVar variation 213271 (VCV000213271.4), dbSNP rs863223551, ClinGen allele CA321497.

ClinVar aggregate classification (germline): Uncertain significance. Review status: criteria provided, multiple submitters, no conflicts (2 of 4 stars). 2 submissions from 2 submitters: Uncertain significance (2). Last evaluated 2024-04-24.

Conditions:
Congenital contractural arachnodactyly (CCA). Also called: Beals-Hecht syndrome; BEALS SYNDROME; Arthrogryposis, distal, type 9. Identifiers: Orphanet 115, MedGen C0220668, MONDO:0007363, OMIM 121050.

Allele frequency attached by ClinVar (database versions not stated): gnomAD exomes below 0.00001.
gnomAD v4.1: 2 of 1,614,148 alleles (0.00012%); highest among the groups gnomAD compares: African/African-American, 0.0027%; no homozygotes.

Submissions (2):

Labcorp Genetics (formerly Invitae), Labcorp
Classification: Uncertain significance for Congenital contractural arachnodactyly. Last evaluated: 2024-04-24. Review status: criteria provided, single submitter. Criteria: Invitae Variant Classification Sherloc (09022015). Collection method: clinical testing. Allele origin: germline.
Comment: This sequence change replaces alanine, which is neutral and non-polar, with valine, which is neutral and non-polar, at codon 443 of the FBN2 protein (p.Ala443Val). This variant is not present in population databases (gnomAD no frequency). This variant has not been reported in the literature in individuals affected with FBN2-related conditions. ClinVar contains an entry for this variant (Variation ID: 213271). Advanced modeling of protein sequence and biophysical properties (such as structural, functional, and spatial information, amino acid conservation, physicochemical variation, residue mobility, and thermodynamic stability) performed at Invitae indicates that this missense variant is not expected to disrupt FBN2 protein function with a negative predictive value of 95%. In summary, the available evidence is currently insufficient to determine the role of this variant in disease. Therefore, it has been classified as a Variant of Uncertain Significance.

GeneDx
Classification: Uncertain significance. Last evaluated: 2014-07-31. Review status: criteria provided, single submitter. Criteria: GeneDx Variant Classification (06012015). Collection method: clinical testing. Allele origin: germline. Affected: yes.
Comment: p.Ala443Val (GCC>GTC): c.1328 C>T in exon 10 of the FBN2 gene (NM_001999.3) The A443V variant has not been published as a mutation, nor has it been reported as a benign polymorphism to our knowledge. The A443V variant was not observed in approximately 6,500 individuals of European and African American ancestry in the NHLBI Exome Sequencing Project, indicating it is not a common benign variant in these populations. The A443V variant is a conservative amino acid substitution, which is not likely to impact secondary protein structure as these residues share similar properties. This substitution occurs at a position that is not conserved across species. In silico analysis predicts this variant likely does not alter the protein structure/function. Furthermore, no missense mutations in nearby residues have been reported in association with CCA, indicating that this region of the protein may be tolerant of change. Therefore, based on the currently available information, it is unclear whether this variant is a pathogenic mutation or a rare benign variant. This variant was found in TAAD